The following is an entry in ClinVar:

NM_000558.5(HBA1):c.163C>T (p.Gln55Ter)

Genes: HBA1 (hemoglobin subunit alpha 1; plus strand), LOC106804613 (hemoglobin subunit alpha 1 recombination region; plus strand). Cytogenetic location: 16p13.3.
Variant type: single nucleotide variant.
Coding change: c.163C>T on transcript NM_000558.5 (MANE Select); coding-DNA position 163, C replaced by T.
Protein change: p.Gln55Ter; replaces glutamine 55 with a stop codon.
Molecular consequence: nonsense.
Genome position (GRCh38, 1-based): chr16:176,996, C>T. VCF-style: chr16-176996-C-T. GRCh37 (hg19) VCF-style: chr16-226995-C-T.
Other names: short protein forms Q55*.
Identifiers: ClinVar variation 4814379 (VCV004814379.1).
Genomic context (GRCh38, chr16:176,996, plus strand): 5'-CTGTCCTTCCCCACCACCAAGACCTACTTCCCGCACTTCGACCTGAGCCACGGCTCTGCC[C>T]AGGTTAAGGGCCACGGCAAGAAGGTGGCCGACGCGCTGACCAACGCCGTGGCGCACGTGG-3'

ClinVar aggregate classification (germline): Likely pathogenic (1 of 4 stars; one submission).

Conditions:
alpha Thalassemia. Also called: Alpha thalassemia spectrum. Identifiers: Orphanet 846, MedGen C0002312, MONDO:0011399, OMIM 604131.

Submission:

Natera, Inc.
Classification: Likely pathogenic for Alpha thalassemia. Last evaluated: 2025-01-06. Review status: criteria provided, single submitter. Criteria: Natera Variant Classification Schema (03/2026). Collection method: clinical testing. Allele origin: germline.
Comment: The c.163C>T variant in HBA1 is a nonsense variant predicted to introduce a stop codon at amino acid 55. This variant is expected to result in nonsense mediated decay, truncation, or a dysfunctional protein product. This variant is rare in the general population with a frequency below the threshold expected for the associated phenotype(s). Given the available evidence, this variant is classified as Likely Pathogenic.